The following is an entry in ClinVar:

NM_002485.5(NBN):c.995-3C>T

Gene: NBN (nibrin; minus strand). Cytogenetic location: 8q21.3.
Variant type: single nucleotide variant.
Coding change: c.995-3C>T on transcript NM_002485.5 (MANE Select); 3 bases into the intron before coding-DNA position 995, C replaced by T.
Molecular consequence: intron variant.
Genome position (GRCh38, 1-based): chr8:89,958,857, G>A on the plus strand (C>T on the coding strand, the complement: NBN is on the minus strand). VCF-style: chr8-89958857-G-A. GRCh37 (hg19) VCF-style: chr8-90971085-G-A.
Other names: c.749-3C>T (NM_001024688.3).
Identifiers: ClinVar variation 1768716 (VCV001768716.8), dbSNP rs2129747257, ClinGen allele CA2580079187.

ClinVar aggregate classification (germline): Uncertain significance. Review status: criteria provided, multiple submitters, no conflicts (2 of 4 stars). 2 submissions from 2 submitters: Uncertain significance (2). Last evaluated 2026-02-07.

Conditions:
Microcephaly, normal intelligence and immunodeficiency (NBS). Also called: SEEMANOVA SYNDROME II; Nijmegen breakage syndrome; Microcephaly with normal intelligence immunodeficiency and lymphoreticular malignancies; Nonsyndromal microcephaly autosomal recessive with normal intelligence; Seemanova syndrome 2; Ataxia telangiectasia variant V1. Identifiers: Orphanet 647, MedGen C0398791, MONDO:0009623, OMIM 251260.
Hereditary cancer-predisposing syndrome. Also called: Tumor predisposition; Hereditary Cancer Syndrome; Hereditary neoplastic syndrome; Neoplastic Syndromes, Hereditary. Identifiers: Orphanet 140162, MedGen C0027672, MeSH D009386, MONDO:0015356.

Submissions (2):

Ambry Genetics
Classification: Uncertain significance for Hereditary cancer-predisposing syndrome. Last evaluated: 2026-02-07. Review status: criteria provided, single submitter. Criteria: Ambry Variant Classification Scheme 2023. Collection method: clinical testing. Allele origin: germline.
Comment: The c.995-3C>T intronic variant results from a C to T substitution 3 nucleotides upstream from coding exon 9 in the NBN gene. This nucleotide position is well conserved in available vertebrate species. In silico splice site analysis predicts that this alteration will not have any significant effect on splicing. Based on the available evidence, the clinical significance of this variant remains unclear.

Labcorp Genetics (formerly Invitae), Labcorp
Classification: Uncertain significance for Microcephaly, normal intelligence and immunodeficiency. Last evaluated: 2023-04-28. Review status: criteria provided, single submitter. Criteria: Invitae Variant Classification Sherloc (09022015). Collection method: clinical testing. Allele origin: germline.
Comment: Variants that disrupt the consensus splice site are a relatively common cause of aberrant splicing (PMID: 17576681, 9536098). Algorithms developed to predict the effect of sequence changes on RNA splicing suggest that this variant is not likely to affect RNA splicing. This sequence change falls in intron 8 of the NBN gene. It does not directly change the encoded amino acid sequence of the NBN protein. It affects a nucleotide within the consensus splice site. This variant is not present in population databases (gnomAD no frequency). This variant has not been reported in the literature in individuals affected with NBN-related conditions. ClinVar contains an entry for this variant (Variation ID: 1768716). In summary, the available evidence is currently insufficient to determine the role of this variant in disease. Therefore, it has been classified as a Variant of Uncertain Significance.

Literature cited by the submitters: PubMed 17576681 (cited by Labcorp Genetics (formerly Invitae), Labcorp); PubMed 9536098 (cited by Labcorp Genetics (formerly Invitae), Labcorp).